The following is an entry in ClinVar:

ClinVar aggregate classification (germline): Uncertain significance (1 of 4 stars; one submission).

Conditions:
KCNMA1-related disorder. Also called: KCNMA1-related condition; KCNMA1-related disorders.

Submission:

PreventionGenetics, part of Exact Sciences
Classification: Uncertain significance for KCNMA1-related condition. Last evaluated: 2023-07-31. Review status: criteria provided, single submitter. Criteria: ACMG Guidelines, 2015. Collection method: clinical testing. Allele origin: germline.
Comment: The KCNMA1 c.2972_2973delCG variant is predicted to result in a frameshift and premature protein termination (p.Ala991Aspfs*5). To our knowledge, this variant has not been reported in the literature or in a large population database, indicating this variant is rare. While loss of function variants have been reported in the KCNMA1 gene, to our knowledge, none have been reported downstream of the c.2972_2973del (p.Ala991Aspfs*5) variant. Although we suspect that this variant may be pathogenic, at this time, the clinical significance of this variant is uncertain due to the absence of conclusive functional and genetic evidence.

NM_001161352.2(KCNMA1):c.3146_3147del (p.Ala1049fs)

Genes: KCNMA1 (potassium calcium-activated channel subfamily M alpha 1; minus strand), KCNMA1-AS1 (KCNMA1 antisense RNA 1; plus strand). Cytogenetic location: 10q22.3.
Variant type: Microsatellite.
Coding change: c.3146_3147del on transcript NM_001161352.2 (MANE Select); coding-DNA positions 3146 to 3147, 2 bases deleted (CG; older notation c.3146_3147delCG).
Protein change: p.Ala1049fs; shifts the reading frame from alanine 1049.
Molecular consequence: frameshift variant.
Genome position (GRCh38, 1-based): chr10:76,909,966-76,909,967, CG deleted on the plus strand (CG on the coding strand, the reverse complement: KCNMA1 is on the minus strand); deleting any 2 consecutive bases within chr10:76,909,966-76,909,970 gives the same sequence; the c. name uses the placement nearest the transcript's 3' end. VCF-style (leftmost placement, unchanged base first): chr10-76909965-CCG-C. GRCh37 (hg19) VCF-style: chr10-78669723-CCG-C.
Other names: c.2984_2985del, p.Ala995fs (NM_001014797.3); c.3095_3096del, p.Ala1032fs (NM_001161353.2); c.2822_2823del, p.Ala941fs (NM_001271518.2); c.3062_3063del, p.Ala1021fs (NM_001271519.2); c.2981_2982del, p.Ala994fs (NM_001322829.2, NM_001322836.2); c.3074_3075del, p.Ala1025fs (NM_001322830.2); c.2972_2973del, p.Ala991fs (NM_001322832.2, NM_001410940.1, NM_002247.4); c.3065_3066del, p.Ala1022fs (NM_001322835.2, NM_001322837.2); and 1 more; short protein forms A1021fs, A1022fs, A1025fs, A1032fs, A1049fs, A840fs, A941fs, A991fs.
Identifiers: ClinVar variation 2631740 (VCV002631740.1), dbSNP rs2548848917, ClinGen allele CA2695200856.